The following is an entry in ClinVar:

ClinVar aggregate classification (germline): Uncertain significance (1 of 4 stars; one submission).

gnomAD v4.1: 2 of 1,614,200 alleles (0.00012%); highest among the groups gnomAD compares: African/African-American, 0.0013%; no homozygotes.

Submission:

Ambry Genetics
Classification: Uncertain significance. Last evaluated: 2025-04-19. Review status: criteria provided, single submitter. Criteria: Ambry Variant Classification Scheme 2023. Collection method: clinical testing. Allele origin: germline.
Comment: The p.P1061S variant (also known as c.3181C>T), located in coding exon 12 of the CDK12 gene, results from a C to T substitution at nucleotide position 3181. The proline at codon 1061 is replaced by serine, an amino acid with similar properties. This amino acid position is conserved. In addition, this alteration is predicted to be tolerated by in silico analysis. Based on the available evidence, the clinical significance of this variant remains unclear.

NM_016507.4(CDK12):c.3181C>T (p.Pro1061Ser)

Gene: CDK12 (cyclin dependent kinase 12; plus strand). Cytogenetic location: 17q12.
Variant type: single nucleotide variant.
Coding change: c.3181C>T on transcript NM_016507.4 (MANE Select); coding-DNA position 3181, C replaced by T.
Protein change: p.Pro1061Ser; replaces proline 1061 with serine.
Molecular consequence: missense variant.
Genome position (GRCh38, 1-based): chr17:39,524,759, C>T. VCF-style: chr17-39524759-C-T. GRCh37 (hg19) VCF-style: chr17-37681012-C-T.
Other names: c.3181C>T, p.Pro1061Ser (NM_015083.4); short protein forms P1061S.
Identifiers: ClinVar variation 3999379 (VCV003999379.1).